The following is an entry in ClinVar:

ClinVar aggregate classification (germline): Conflicting classifications of pathogenicity. Review status: criteria provided, conflicting classifications (1 of 4 stars). 2 submissions from 2 submitters: Uncertain significance (1); Likely benign (1). Last evaluated 2025-01-10.

Conditions:
Cardiovascular phenotype. Identifiers: MedGen CN230736.

Allele frequency attached by ClinVar (database versions not stated): gnomAD exomes below 0.00001; TOPMed below 0.00001.
gnomAD v4.1: 10 of 1,614,130 alleles (0.00062%); highest among the groups gnomAD compares: Middle Eastern, 0.033%; no homozygotes.

Submissions (2):

Ambry Genetics
Classification: Likely benign for Cardiovascular phenotype. Last evaluated: 2025-01-10. Review status: criteria provided, single submitter. Criteria: Ambry Variant Classification Scheme 2023. Collection method: clinical testing. Allele origin: germline.

Labcorp Genetics (formerly Invitae), Labcorp
Classification: Uncertain significance. Last evaluated: 2022-05-21. Review status: criteria provided, single submitter. Criteria: Invitae Variant Classification Sherloc (09022015). Collection method: clinical testing. Allele origin: germline.
Comment: This sequence change replaces alanine, which is neutral and non-polar, with valine, which is neutral and non-polar, at codon 282 of the LCAT protein (p.Ala282Val). This variant is not present in population databases (gnomAD no frequency). This variant has not been reported in the literature in individuals affected with LCAT-related conditions. Algorithms developed to predict the effect of missense changes on protein structure and function output the following: SIFT: "Tolerated"; PolyPhen-2: "Benign"; Align-GVGD: "Class C0". The valine amino acid residue is found in multiple mammalian species, which suggests that this missense change does not adversely affect protein function. Algorithms developed to predict the effect of sequence changes on RNA splicing suggest that this variant may create or strengthen a splice site. In summary, the available evidence is currently insufficient to determine the role of this variant in disease. Therefore, it has been classified as a Variant of Uncertain Significance.

NM_000229.2(LCAT):c.845C>T (p.Ala282Val)

Gene: LCAT (lecithin-cholesterol acyltransferase; minus strand). Cytogenetic location: 16q22.1.
Variant type: single nucleotide variant.
Coding change: c.845C>T on transcript NM_000229.2 (MANE Select); coding-DNA position 845, C replaced by T.
Protein change: p.Ala282Val; replaces alanine 282 with valine.
Molecular consequence: missense variant.
Genome position (GRCh38, 1-based): chr16:67,940,382, G>A on the plus strand (C>T on the coding strand, the complement: LCAT is on the minus strand). VCF-style: chr16-67940382-G-A. GRCh37 (hg19) VCF-style: chr16-67974285-G-A.
Other names: c.845C>T (NM_000229.1); short protein forms A282V.
Identifiers: ClinVar variation 1915706 (VCV001915706.3), dbSNP rs1221945564, ClinGen allele CA396376233.
Genomic context (GRCh38, chr16:67,940,382, plus strand): 5'-AAGTCACGGCCTGTGTAGTTGAAGCTGGGTGTGGAAATGAACACGTGGTCCTCAGGCCAC[G>A]CCATGCGAGAGGGAAACATCCAGGGGGAGGTGGTGGTTATGCGCTGCTCCTCTTTCAGCT-3'
Protein context (NP_000220.1, residues 272-292): TSPWMFPSRM[Ala282Val]WPEDHVFIST